The following is an entry in ClinVar:

ClinVar aggregate classification (germline): Uncertain significance. Review status: criteria provided, multiple submitters, no conflicts (2 of 4 stars). 4 submissions from 4 submitters: Uncertain significance (4). Last evaluated 2025-03-26.

Conditions:
Ataxia-telangiectasia syndrome (AT). Also called: Ataxia telangiectasia (A-T); LOUIS-BAR SYNDROME; Cerebello-oculocutaneous telangiectasia; Immunodeficiency with ataxia telangiectasia; Ataxia-telangiectasia, complementation group D; AT, COMPLEMENTATION GROUP C. Identifiers: Orphanet 100, MedGen C0004135, MONDO:0008840, OMIM 208900.
Hereditary cancer-predisposing syndrome. Also called: Hereditary neoplastic syndrome; Neoplastic Syndromes, Hereditary; Tumor predisposition; Hereditary Cancer Syndrome. Identifiers: Orphanet 140162, MedGen C0027672, MeSH D009386, MONDO:0015356.

Submissions (4):

Labcorp Genetics (formerly Invitae), Labcorp
Classification: Uncertain significance for Ataxia-telangiectasia syndrome. Last evaluated: 2025-03-26. Review status: criteria provided, single submitter. Criteria: Invitae Variant Classification Sherloc (09022015). Collection method: clinical testing. Allele origin: germline.
Comment: This sequence change replaces valine, which is neutral and non-polar, with methionine, which is neutral and non-polar, at codon 1180 of the ATM protein (p.Val1180Met). This variant is not present in population databases (gnomAD no frequency). This variant has not been reported in the literature in individuals affected with ATM-related conditions. ClinVar contains an entry for this variant (Variation ID: 407457). Invitae Evidence Modeling of protein sequence and biophysical properties (such as structural, functional, and spatial information, amino acid conservation, physicochemical variation, residue mobility, and thermodynamic stability) indicates that this missense variant is not expected to disrupt ATM protein function with a negative predictive value of 95%. In summary, the available evidence is currently insufficient to determine the role of this variant in disease. Therefore, it has been classified as a Variant of Uncertain Significance.

GeneDx
Classification: Uncertain significance. Last evaluated: 2025-03-19. Review status: criteria provided, single submitter. Criteria: GeneDx Variant Classification Process June 2021. Collection method: clinical testing. Allele origin: germline. Affected: yes.
Comment: Not observed at significant frequency in large population cohorts (gnomAD); In silico analysis indicates that this missense variant does not alter protein structure/function; Has not been previously published as pathogenic or benign to our knowledge; This variant is associated with the following publications: (PMID: 19781682)

Ambry Genetics
Classification: Uncertain significance for Hereditary cancer-predisposing syndrome. Last evaluated: 2024-07-01. Review status: criteria provided, single submitter. Criteria: Ambry Variant Classification Scheme 2023. Collection method: clinical testing. Allele origin: germline.
Comment: The p.V1180M variant (also known as c.3538G>A), located in coding exon 23 of the ATM gene, results from a G to A substitution at nucleotide position 3538. The valine at codon 1180 is replaced by methionine, an amino acid with highly similar properties. This amino acid position is well conserved in available vertebrate species. In addition, this alteration is predicted to be tolerated by in silico analysis. Based on the available evidence, the clinical significance of this variant remains unclear.

Color Diagnostics, LLC DBA Color Health
Classification: Uncertain significance for Hereditary cancer-predisposing syndrome. Last evaluated: 2024-03-06. Review status: criteria provided, single submitter. Criteria: ACMG Guidelines, 2015. Collection method: clinical testing. Allele origin: germline.
Comment: This missense variant replaces valine with methionine at codon 1180 of the ATM protein. Computational prediction suggests that this variant may not impact protein structure and function (internally defined REVEL score threshold <= 0.5, PMID: 27666373). To our knowledge, functional studies have not been reported for this variant. This variant has not been reported in individuals affected with hereditary cancer in the literature. This variant has not been identified in the general population by the Genome Aggregation Database (gnomAD). The available evidence is insufficient to determine the role of this variant in disease conclusively. Therefore, this variant is classified as a Variant of Uncertain Significance.

NM_000051.4(ATM):c.3538G>A (p.Val1180Met)

Gene: ATM (ATM serine/threonine kinase; plus strand). Cytogenetic location: 11q22.3.
Variant type: single nucleotide variant.
Coding change: c.3538G>A on transcript NM_000051.4 (MANE Select); coding-DNA position 3538, G replaced by A.
Protein change: p.Val1180Met; replaces valine 1180 with methionine.
Molecular consequence: missense variant.
Genome position (GRCh38, 1-based): chr11:108,281,130, G>A. VCF-style: chr11-108281130-G-A. GRCh37 (hg19) VCF-style: chr11-108151857-G-A.
Other names: c.3538G>A, p.Val1180Met (NM_001351834.2); short protein forms V1180M.
Identifiers: ClinVar variation 407457 (VCV000407457.13), dbSNP rs1060501531, ClinGen allele CA16613407.